The following is an entry in ClinVar:

ClinVar aggregate classification (germline): Uncertain significance. Review status: criteria provided, multiple submitters, no conflicts (2 of 4 stars). 3 submissions from 3 submitters: Uncertain significance (3). Last evaluated 2026-04-29.

Conditions:
Inborn genetic diseases. Identifiers: MedGen C0950123, MeSH D030342.

Allele frequency attached by ClinVar (database versions not stated): gnomAD exomes below 0.00001; gnomAD 0.00001; TOPMed 0.00001.
gnomAD v4.1: 8 of 1,614,018 alleles (0.0005%); highest among the groups gnomAD compares: Non-Finnish European, 0.00068%; no homozygotes.

Submissions (3):

Women's Health and Genetics/Laboratory Corporation of America, LabCorp
Classification: Uncertain significance. Last evaluated: 2026-04-29. Review status: criteria provided, single submitter. Criteria: LabCorp Variant Classification Summary - May 2015. Collection method: clinical testing. Allele origin: germline.
Comment: Variant summary: SRCAP c.476G>A (p.Arg159Gln) results in a conservative amino acid change in the encoded protein sequence. Algorithms developed to predict the effect of missense changes on protein structure and function are either unavailable or do not agree on the potential impact of this missense change. The variant allele was found at a frequency of 1.2e-05 in 249838 control chromosomes. The available data on variant occurrences in the general population are insufficient to allow any conclusion about variant significance. To our knowledge, no occurrence of c.476G>A in individuals affected with SRCAP-related conditions and no experimental evidence demonstrating its impact on protein function have been reported. ClinVar contains an entry for this variant (Variation ID: 2234296). Based on the evidence outlined above, the variant was classified as uncertain significance.

Labcorp Genetics (formerly Invitae), Labcorp
Classification: Uncertain significance. Last evaluated: 2024-06-09. Review status: criteria provided, single submitter. Criteria: Invitae Variant Classification Sherloc (09022015). Collection method: clinical testing. Allele origin: germline.
Comment: This sequence change replaces arginine, which is basic and polar, with glutamine, which is neutral and polar, at codon 159 of the SRCAP protein (p.Arg159Gln). This variant is present in population databases (no rsID available, gnomAD 0.003%). This variant has not been reported in the literature in individuals affected with SRCAP-related conditions. ClinVar contains an entry for this variant (Variation ID: 2234296). Advanced modeling of protein sequence and biophysical properties (such as structural, functional, and spatial information, amino acid conservation, physicochemical variation, residue mobility, and thermodynamic stability) performed at Invitae indicates that this missense variant is not expected to disrupt SRCAP protein function with a negative predictive value of 80%. In summary, the available evidence is currently insufficient to determine the role of this variant in disease. Therefore, it has been classified as a Variant of Uncertain Significance.

Ambry Genetics
Classification: Uncertain significance for Inborn genetic diseases. Last evaluated: 2021-06-22. Review status: criteria provided, single submitter. Criteria: Ambry Variant Classification Scheme 2023. Collection method: clinical testing. Allele origin: germline.

NM_006662.3(SRCAP):c.476G>A (p.Arg159Gln)

Gene: SRCAP (Snf2 related CREBBP activator protein; plus strand). Cytogenetic location: 16p11.2.
Variant type: single nucleotide variant.
Coding change: c.476G>A on transcript NM_006662.3 (MANE Select); coding-DNA position 476, G replaced by A.
Protein change: p.Arg159Gln; replaces arginine 159 with glutamine.
Molecular consequence: missense variant.
Genome position (GRCh38, 1-based): chr16:30,707,352, G>A. VCF-style: chr16-30707352-G-A. GRCh37 (hg19) VCF-style: chr16-30718673-G-A.
Other names: short protein forms R159Q.
Identifiers: ClinVar variation 2234296 (VCV002234296.6), dbSNP rs993440316, ClinGen allele CA280502878.